The following is an entry in ClinVar:

ClinVar aggregate classification (germline): Benign/Likely benign. Review status: criteria provided, multiple submitters, no conflicts (2 of 4 stars). 6 submissions from 6 submitters: Benign (1); Likely benign (5). Last evaluated 2026-07-01.

Conditions:
Inborn genetic diseases. Identifiers: MedGen C0950123, MeSH D030342.

Allele frequency attached by ClinVar (database versions not stated): 1000 Genomes Project 30x 0.00078; TOPMed 0.00090; 1000 Genomes Project 0.00100; ESP Exome Variant Server 0.00131; gnomAD 0.00177 and 0.00185; ExAC 0.00228.
gnomAD v4.1: 2,779 of 1,614,070 alleles (0.17%); highest among the groups gnomAD compares: Middle Eastern, 0.33%; 12 homozygotes.

Submissions (6):

CeGaT Center for Human Genetics Tuebingen
Classification: Likely benign. Last evaluated: 2026-07-01. Review status: criteria provided, single submitter. Criteria: CeGaT Center For Human Genetics Tuebingen Variant Classification Criteria Version 2. Collection method: clinical testing. Allele origin: germline. Affected: yes. Observed: 14 variant alleles.
Comment: MED23: BP4, BP7

Blueprint Genetics
Classification: Likely benign. Last evaluated: 2024-11-25. Review status: criteria provided, single submitter. Criteria: ACMG Guidelines, 2015. Collection method: clinical testing. Allele origin: germline.

Labcorp Genetics (formerly Invitae), Labcorp
Classification: Benign. Last evaluated: 2019-12-31. Review status: criteria provided, single submitter. Criteria: Invitae Variant Classification Sherloc (09022015). Collection method: clinical testing. Allele origin: germline.

Ambry Genetics
Classification: Likely benign for Inborn genetic diseases. Last evaluated: 2016-05-06. Review status: criteria provided, single submitter. Criteria: Ambry Variant Classification Scheme 2023. Collection method: clinical testing. Allele origin: germline.

Genetic Services Laboratory, University of Chicago
Classification: Likely benign. Last evaluated: 2015-10-29. Review status: criteria provided, single submitter. Criteria: ACMG Guidelines, 2015. Collection method: clinical testing. Allele origin: germline. Affected: no.

Breakthrough Genomics
Classification: Likely benign. Review status: criteria provided, single submitter. Criteria: ACMG Guidelines, 2015. Collection method: not provided. Allele origin: germline. Inheritance: Autosomal recessive inheritance. Affected: yes.

NM_004830.4(MED23):c.2814G>A (p.Ala938=)

Gene: MED23 (mediator complex subunit 23; minus strand). Cytogenetic location: 6q23.2.
Variant type: single nucleotide variant.
Coding change: c.2814G>A on transcript NM_004830.4 (MANE Select); coding-DNA position 2814, G replaced by A.
Protein change: p.Ala938=; no amino-acid change (alanine 938 retained).
Molecular consequence: synonymous variant.
Genome position (GRCh38, 1-based): chr6:131,596,128, C>T on the plus strand (G>A on the coding strand, the complement: MED23 is on the minus strand). VCF-style: chr6-131596128-C-T. GRCh37 (hg19) VCF-style: chr6-131917268-C-T.
Other names: c.2814G>A, p.Ala938= (NM_001270521.2, NM_001270522.2); c.2832G>A, p.Ala944= (NM_015979.4).
Identifiers: ClinVar variation 435852 (VCV000435852.51), dbSNP rs145230681, ClinGen allele CA3999737.
Genomic context (GRCh38, chr6:131,596,128, plus strand): 5'-ATTCCCAAAATAGATGGGCAGATAGGGAGACTGGATCTGTACAGGAGGATCCACCTGTTC[C>T]GCGAGGCCCTCAAAATACAACTTCTCTGGATATTTCTGTGGAATTGAGAAGATGATAAAT-3'
Protein context (NP_004821.2, residues 928-948): YPEKLYFEGL[Ala938=]EQVDPPVQIQ